The following is an entry in ClinVar:

NM_001009944.3(PKD1):c.2662G>C (p.Glu888Gln)

Gene: PKD1 (polycystin 1, transient receptor potential channel interacting; minus strand). Cytogenetic location: 16p13.3.
Variant type: single nucleotide variant.
Coding change: c.2662G>C on transcript NM_001009944.3 (MANE Select); coding-DNA position 2662, G replaced by C.
Protein change: p.Glu888Gln; replaces glutamic acid 888 with glutamine.
Molecular consequence: missense variant.
Genome position (GRCh38, 1-based): chr16:2,114,361, C>G on the plus strand (G>C on the coding strand, the complement: PKD1 is on the minus strand). VCF-style: chr16-2114361-C-G. GRCh37 (hg19) VCF-style: chr16-2164362-C-G.
Other names: c.2662G>C, p.Glu888Gln (NM_000296.4); short protein forms E888Q.
Identifiers: ClinVar variation 2305815 (VCV002305815.3), dbSNP rs2544852501, ClinGen allele CA394387172.

ClinVar aggregate classification (germline): Uncertain significance. Review status: criteria provided, multiple submitters, no conflicts (2 of 4 stars). 2 submissions from 2 submitters: Uncertain significance (2). Last evaluated 2026-06-12.

Conditions:
PKD1-related disorder. Also called: PKD1-related condition.
Inborn genetic diseases. Identifiers: MedGen C0950123, MeSH D030342.

Allele frequency attached by ClinVar (database versions not stated): gnomAD exomes below 0.00001.
gnomAD v4.1: 3 of 1,610,168 alleles (0.00019%); highest among the groups gnomAD compares: Admixed American, 0.005%; no homozygotes.

Submissions (2):

PreventionGenetics, part of Exact Sciences
Classification: Uncertain significance for PKD1-related condition. Last evaluated: 2026-06-12. Review status: criteria provided, single submitter. Criteria: ACMG Guidelines, 2015. Collection method: clinical testing. Allele origin: germline.
Comment: The PKD1 c.2662G>C variant is predicted to result in the amino acid substitution p.Glu888Gln. To our knowledge, this variant has not been reported in the literature or in a large population database (gnomAD), indicating this variant is rare. At this time, the clinical significance of this variant is uncertain due to the absence of conclusive functional and genetic evidence.

Ambry Genetics
Classification: Uncertain significance for Inborn genetic diseases. Last evaluated: 2022-08-08. Review status: criteria provided, single submitter. Criteria: Ambry Variant Classification Scheme 2023. Collection method: clinical testing. Allele origin: germline.